The following is an entry in ClinVar:

ClinVar aggregate classification (germline): Benign/Likely benign. Review status: criteria provided, multiple submitters, no conflicts (2 of 4 stars). 4 submissions from 4 submitters: Benign (1); Likely benign (2). 1 of the submissions does not count toward it. Last evaluated 2026-01-20.

Conditions:
CACNA2D4-related disorder. Also called: CACNA2D4-related condition.
Retinal cone dystrophy 4 (RCD4). Identifiers: Orphanet 1872, MedGen C1864849, MONDO:0012507, OMIM 610478.

Allele frequency attached by ClinVar (database versions not stated): 1000 Genomes Project 30x 0.00031; ESP Exome Variant Server 0.00031; 1000 Genomes Project 0.00040; TOPMed 0.00059.
gnomAD v4.1: 365 of 1,609,812 alleles (0.023%); highest among the groups gnomAD compares: East Asian, 0.24%; no homozygotes.

Submissions (4):

Labcorp Genetics (formerly Invitae), Labcorp
Classification: Likely benign. Last evaluated: 2026-01-20. Review status: criteria provided, single submitter. Criteria: Invitae Variant Classification Sherloc (09022015). Collection method: clinical testing. Allele origin: germline.

Blueprint Genetics
Classification: Benign. Last evaluated: 2024-10-16. Review status: criteria provided, single submitter. Criteria: ACMG Guidelines, 2015. Collection method: clinical testing. Allele origin: germline.

Illumina Laboratory Services, Illumina
Classification: Likely benign for Retinal cone dystrophy 4. Last evaluated: 2018-01-13. Review status: criteria provided, single submitter. Criteria: ICSL Variant Classification Criteria 13 December 2019. Collection method: clinical testing. Allele origin: germline.
Comment: This variant was observed in the ICSL laboratory as part of a predisposition screen in an ostensibly healthy population. It had not been previously curated by ICSL or reported in the Human Gene Mutation Database (HGMD: prior to June 1st, 2018), and was therefore a candidate for classification through an automated scoring system. Utilizing variant allele frequency, disease prevalence and penetrance estimates, and inheritance mode, an automated score was calculated to assess if this variant is too frequent to cause the disease. Based on the score and internal cut-off values, a variant classified as likely benign is not then subjected to further curation. The score for this variant resulted in a classification of likely benign for this disease.

PreventionGenetics, part of Exact Sciences
Classification: Likely benign for CACNA2D4-related condition. Last evaluated: 2024-03-22. Review status: no assertion criteria provided. Collection method: clinical testing. Allele origin: germline. Not counted in ClinVar's aggregate classification.
Comment: This variant is classified as likely benign based on ACMG/AMP sequence variant interpretation guidelines (Richards et al. 2015 PMID: 25741868, with internal and published modifications).

NM_172364.5(CACNA2D4):c.419C>T (p.Ala140Val)

Gene: CACNA2D4 (calcium voltage-gated channel auxiliary subunit alpha2delta 4; minus strand). Cytogenetic location: 12p13.33.
Variant type: single nucleotide variant.
Coding change: c.419C>T on transcript NM_172364.5 (MANE Select); coding-DNA position 419, C replaced by T.
Protein change: p.Ala140Val; replaces alanine 140 with valine.
Molecular consequence: missense variant.
Genome position (GRCh38, 1-based): chr12:1,913,030, G>A on the plus strand (C>T on the coding strand, the complement: CACNA2D4 is on the minus strand). VCF-style: chr12-1913030-G-A. GRCh37 (hg19) VCF-style: chr12-2022196-G-A.
Other names: short protein forms A140V.
Identifiers: ClinVar variation 723403 (VCV000723403.16), dbSNP rs202054008, ClinGen allele CA6387553.